The following is an entry in ClinVar:

NM_001008537.3(NEXMIF):c.4074G>T (p.Glu1358Asp)

Gene: NEXMIF (neurite extension and migration factor; minus strand). Cytogenetic location: Xq13.3.
Variant type: single nucleotide variant.
Coding change: c.4074G>T on transcript NM_001008537.3 (MANE Select); coding-DNA position 4074, G replaced by T.
Protein change: p.Glu1358Asp; replaces glutamic acid 1358 with aspartic acid.
Molecular consequence: missense variant.
Genome position (GRCh38, 1-based): chrX:74,740,483, C>A on the plus strand (G>T on the coding strand, the complement: NEXMIF is on the minus strand). VCF-style: chrX-74740483-C-A. GRCh37 (hg19) VCF-style: chrX-73960318-C-A.
Other names: short protein forms E1358D.
Identifiers: ClinVar variation 590012 (VCV000590012.14), dbSNP rs1315310568, ClinGen allele CA413664087.
Genomic context (GRCh38, chrX:74,740,483, plus strand): 5'-CTTAGACTCCTGTGGTGTCCCAGCCAATATTTTGAGGGTTTTTAATTTTAGACTATTGGA[C>A]TCAGGGGAGTAGAATATGTTGGGATCCCCATGGTGCTCCATGGGTTCCCAAAGGGGCTCT-3'
Protein context (NP_001008537.1, residues 1348-1368): HGDPNIFYSP[Glu1358Asp]SNSLKLKTLK

ClinVar aggregate classification (germline): Uncertain significance. Review status: criteria provided, multiple submitters, no conflicts (2 of 4 stars). 2 submissions from 2 submitters: Uncertain significance (2). Last evaluated 2025-07-15.

gnomAD v4.1: 18 of 1,211,460 alleles (0.0015%); highest among the groups gnomAD compares: Admixed American, 0.0043%; no homozygotes.

Submissions (2):

Ambry Genetics
Classification: Uncertain significance. Last evaluated: 2025-07-15. Review status: criteria provided, single submitter. Criteria: Ambry Variant Classification Scheme 2023. Collection method: clinical testing. Allele origin: germline.

Labcorp Genetics (formerly Invitae), Labcorp
Classification: Uncertain significance. Last evaluated: 2025-06-10. Review status: criteria provided, single submitter. Criteria: Invitae Variant Classification Sherloc (09022015). Collection method: clinical testing. Allele origin: germline.
Comment: This sequence change replaces glutamic acid, which is acidic and polar, with aspartic acid, which is acidic and polar, at codon 1358 of the NEXMIF protein (p.Glu1358Asp). This variant is present in population databases (no rsID available, gnomAD 0.004%). This variant has not been reported in the literature in individuals affected with NEXMIF-related conditions. ClinVar contains an entry for this variant (Variation ID: 590012). An algorithm developed to predict the effect of missense changes on protein structure and function outputs the following: PolyPhen-2: "Benign". The aspartic acid amino acid residue is found in multiple mammalian species, which suggests that this missense change does not adversely affect protein function. In summary, the available evidence is currently insufficient to determine the role of this variant in disease. Therefore, it has been classified as a Variant of Uncertain Significance.